The following is an entry in ClinVar:

NM_001042492.3(NF1):c.2748dup (p.Val917fs)

Gene: NF1 (neurofibromin 1; plus strand). Cytogenetic location: 17q11.2.
Variant type: Duplication.
Coding change: c.2748dup on transcript NM_001042492.3 (MANE Select); coding-DNA position 2748, one base duplicated (T; older notation c.2748dupT).
Protein change: p.Val917fs; shifts the reading frame from valine 917.
Molecular consequence: frameshift variant.
Genome position (GRCh38, 1-based): chr17:31,229,363, T duplicated. VCF-style (leftmost placement, unchanged base first): chr17-31229362-A-AT. GRCh37 (hg19) VCF-style: chr17-29556380-A-AT.
Other names: c.2748dup, p.Val917Cysfs (NM_000267.4); short protein forms V917fs.
Identifiers: ClinVar variation 952281 (VCV000952281.6), dbSNP rs2067072694, ClinGen allele CA1139665437.

ClinVar aggregate classification (germline): Pathogenic (1 of 4 stars; one submission).

Conditions:
Neurofibromatosis, type 1 (NF1). Also called: VON RECKLINGHAUSEN DISEASE; NEUROFIBROMATOSIS, TYPE I, SOMATIC; Peripheral type neurofibromatosis; Neurofibromatosis, type I. Identifiers: Orphanet 636, MedGen C0027831, MONDO:0018975, OMIM 162200. Disease mechanism: loss of function.

Submission:

Labcorp Genetics (formerly Invitae), Labcorp
Classification: Pathogenic for Neurofibromatosis, type 1. Last evaluated: 2024-10-13. Review status: criteria provided, single submitter. Criteria: Invitae Variant Classification Sherloc (09022015). Collection method: clinical testing. Allele origin: germline.
Comment: This sequence change creates a premature translational stop signal (p.Val917Cysfs*2) in the NF1 gene. It is expected to result in an absent or disrupted protein product. Loss-of-function variants in NF1 are known to be pathogenic (PMID: 10712197, 23913538). This variant is not present in population databases (gnomAD no frequency). This variant has not been reported in the literature in individuals affected with NF1-related conditions. ClinVar contains an entry for this variant (Variation ID: 952281). For these reasons, this variant has been classified as Pathogenic.

Literature cited by the submitters: PubMed 10712197; PubMed 23913538.